The following is an entry in ClinVar:

NM_001069.3(TUBB2A):c.1052C>T (p.Thr351Met)

Gene: TUBB2A (tubulin beta 2A class IIa; minus strand). Cytogenetic location: 6p25.2.
Variant type: single nucleotide variant.
Coding change: c.1052C>T on transcript NM_001069.3 (MANE Select); coding-DNA position 1052, C replaced by T.
Protein change: p.Thr351Met; replaces threonine 351 with methionine.
Molecular consequence: missense variant.
Genome position (GRCh38, 1-based): chr6:3,154,149, G>A on the plus strand (C>T on the coding strand, the complement: TUBB2A is on the minus strand). VCF-style: chr6-3154149-G-A. GRCh37 (hg19) VCF-style: chr6-3154383-G-A.
Other names: c.797C>T, p.Thr266Met (NM_001310315.2); short protein forms T266M, T351M.
Identifiers: ClinVar variation 2443591 (VCV002443591.3), dbSNP rs2533523946, ClinGen allele CA362591339.

ClinVar aggregate classification (germline): Conflicting classifications of pathogenicity. Review status: criteria provided, conflicting classifications (1 of 4 stars). 2 submissions from 2 submitters: Pathogenic (1); Uncertain significance (1). Last evaluated 2024-12-28.

Submissions (2):

Labcorp Genetics (formerly Invitae), Labcorp
Classification: Uncertain significance. Last evaluated: 2024-12-28. Review status: criteria provided, single submitter. Criteria: Invitae Variant Classification Sherloc (09022015). Collection method: clinical testing. Allele origin: germline.
Comment: This sequence change replaces threonine, which is neutral and polar, with methionine, which is neutral and non-polar, at codon 351 of the TUBB2A protein (p.Thr351Met). This variant is not present in population databases (gnomAD no frequency). This variant has not been reported in the literature in individuals affected with TUBB2A-related conditions. ClinVar contains an entry for this variant (Variation ID: 2443591). Invitae Evidence Modeling of protein sequence and biophysical properties (such as structural, functional, and spatial information, amino acid conservation, physicochemical variation, residue mobility, and thermodynamic stability) indicates that this missense variant is expected to disrupt TUBB2A protein function with a positive predictive value of 80%. In summary, the available evidence is currently insufficient to determine the role of this variant in disease. Therefore, it has been classified as a Variant of Uncertain Significance.

GeneDx
Classification: Pathogenic. Last evaluated: 2023-03-09. Review status: criteria provided, single submitter. Criteria: GeneDx Variant Classification Process June 2021. Collection method: clinical testing. Allele origin: germline. Affected: yes.
Comment: Not observed at significant frequency in large population cohorts (gnomAD); In silico analysis supports that this missense variant has a deleterious effect on protein structure/function; Has not been previously published as pathogenic or benign to our knowledge